The following is an entry in ClinVar:

ClinVar aggregate classification (germline): Uncertain significance (1 of 4 stars; one submission).

Conditions:
Hereditary cancer-predisposing syndrome. Also called: Tumor predisposition; Hereditary neoplastic syndrome; Hereditary Cancer Syndrome; Neoplastic Syndromes, Hereditary. Identifiers: Orphanet 140162, MedGen C0027672, MeSH D009386, MONDO:0015356.

Submission:

Ambry Genetics
Classification: Uncertain significance for Hereditary cancer-predisposing syndrome. Last evaluated: 2024-03-13. Review status: criteria provided, single submitter. Criteria: Ambry Variant Classification Scheme 2023. Collection method: clinical testing. Allele origin: germline.
Comment: The p.G664R variant (also known as c.1990G>C), located in coding exon 7 of the AXIN2 gene, results from a G to C substitution at nucleotide position 1990. The glycine at codon 664 is replaced by arginine, an amino acid with dissimilar properties. This amino acid position is conserved. In addition, the in silico prediction for this alteration is inconclusive. Based on the available evidence, the clinical significance of this alteration remains unclear.

NM_004655.4(AXIN2):c.1990G>C (p.Gly664Arg)

Gene: AXIN2 (axin 2; minus strand). Cytogenetic location: 17q24.1.
Variant type: single nucleotide variant.
Coding change: c.1990G>C on transcript NM_004655.4 (MANE Select); coding-DNA position 1990, G replaced by C.
Protein change: p.Gly664Arg; replaces glycine 664 with arginine.
Molecular consequence: missense variant.
Genome position (GRCh38, 1-based): chr17:65,536,471, C>G on the plus strand (G>C on the coding strand, the complement: AXIN2 is on the minus strand). VCF-style: chr17-65536471-C-G. GRCh37 (hg19) VCF-style: chr17-63532589-C-G.
Other names: c.1795G>C, p.Gly599Arg (NM_001363813.1); short protein forms G599R, G664R.
Identifiers: ClinVar variation 3224386 (VCV003224386.1), dbSNP rs2144442742, ClinGen allele CA400676198.